The following is an entry in ClinVar:

NM_004168.4(SDHA):c.1565A>G (p.His522Arg)

Gene: SDHA (succinate dehydrogenase complex flavoprotein subunit A; plus strand). Cytogenetic location: 5p15.33.
Variant type: single nucleotide variant.
Coding change: c.1565A>G on transcript NM_004168.4 (MANE Select); coding-DNA position 1565, A replaced by G.
Protein change: p.His522Arg; replaces histidine 522 with arginine.
Molecular consequence: missense variant. On other transcripts: intron variant (1).
Genome position (GRCh38, 1-based): chr5:251,005, A>G. VCF-style: chr5-251005-A-G. GRCh37 (hg19) VCF-style: chr5-251120-A-G.
Other names: c.1421A>G, p.His474Arg (NM_001294332.2); c.1552-3388A>G (NM_001330758.2); short protein forms H474R, H522R.
Identifiers: ClinVar variation 1775347 (VCV001775347.8), dbSNP rs2477454368, ClinGen allele CA358998437.
Genomic context (GRCh38, chr5:251,005, plus strand): 5'-GCTGCTTCTATGGATTAAAAGTTTACAAATAATATTTTGTGCCACAGTCAATGCAAAATC[A>G]TGCTGCCGTGTTCCGTGTGGGAAGCGTGTTGCAAGAAGGTTGTGGGAAAATCAGCAAGCT-3'
Protein context (NP_004159.2, residues 512-532): RLSMQKSMQN[His522Arg]AAVFRVGSVL

ClinVar aggregate classification (germline): Uncertain significance. Review status: criteria provided, multiple submitters, no conflicts (2 of 4 stars). 2 submissions from 2 submitters: Uncertain significance (2). Last evaluated 2025-05-06.

Conditions:
Mitochondrial complex II deficiency, nuclear type 1. Also called: SUCCINATE CoQ REDUCTASE DEFICIENCY. Identifiers: Orphanet 3208, MedGen C5700310, MONDO:0100294, OMIM 252011.
Pheochromocytoma/paraganglioma syndrome 5. Also called: Paragangliomas 5; SDHA-Related Hereditary Paraganglioma-Pheochromocytoma Syndrome. Identifiers: Orphanet 29072, MedGen C3279992, MONDO:0013602, OMIM 614165.
Hereditary cancer-predisposing syndrome. Also called: Tumor predisposition; Hereditary Cancer Syndrome; Hereditary neoplastic syndrome; Neoplastic Syndromes, Hereditary. Identifiers: Orphanet 140162, MedGen C0027672, MeSH D009386, MONDO:0015356.

Submissions (2):

Ambry Genetics
Classification: Uncertain significance for Hereditary cancer-predisposing syndrome. Last evaluated: 2025-05-06. Review status: criteria provided, single submitter. Criteria: Ambry Variant Classification Scheme 2023. Collection method: clinical testing. Allele origin: germline.
Comment: The p.H522R variant (also known as c.1565A>G), located in coding exon 12 of the SDHA gene, results from an A to G substitution at nucleotide position 1565. The histidine at codon 522 is replaced by arginine, an amino acid with highly similar properties. This amino acid position is highly conserved in available vertebrate species. In addition, this alteration is predicted to be deleterious by in silico analysis. Based on the available evidence, the clinical significance of this variant remains unclear.

Labcorp Genetics (formerly Invitae), Labcorp
Classification: Uncertain significance for Pheochromocytoma/paraganglioma syndrome 5; Mitochondrial complex II deficiency, nuclear type 1. Last evaluated: 2022-11-26. Review status: criteria provided, single submitter. Criteria: Invitae Variant Classification Sherloc (09022015). Collection method: clinical testing. Allele origin: germline.
Comment: This sequence change replaces histidine, which is basic and polar, with arginine, which is basic and polar, at codon 522 of the SDHA protein (p.His522Arg). This variant is not present in population databases (gnomAD no frequency). This variant has not been reported in the literature in individuals affected with SDHA-related conditions. Advanced modeling of protein sequence and biophysical properties (such as structural, functional, and spatial information, amino acid conservation, physicochemical variation, residue mobility, and thermodynamic stability) performed at Invitae indicates that this missense variant is not expected to disrupt SDHA protein function. In summary, the available evidence is currently insufficient to determine the role of this variant in disease. Therefore, it has been classified as a Variant of Uncertain Significance.